The following is an entry in ClinVar:

NM_000404.4(GLB1):c.246-16GT[2]

Gene: GLB1 (galactosidase beta 1; minus strand). Cytogenetic location: 3p22.3.
Variant type: Microsatellite.
Coding change: c.246-16GT[2] on transcript NM_000404.4 (MANE Select); two copies in a row of the 2-base unit GT starting at c.246-16; the reference has four copies in a row; two copies, 4 bases deleted.
Molecular consequence: intron variant.
Genome position (GRCh38, 1-based): chr3:33,068,979-33,068,982, ACAC deleted on the plus strand (GTGT on the coding strand, the reverse complement: GLB1 is on the minus strand); deleting any 4 consecutive bases within chr3:33,068,979-33,068,987 gives the same sequence; the position shown is the placement nearest the transcript's 3' end. VCF-style (leftmost placement, unchanged base first): chr3-33068978-GACAC-G. GRCh37 (hg19) VCF-style: chr3-33110470-GACAC-G.
Other names: c.246-16GT[2] (NM_001393580.1); c.246-3429GT[2] (NM_001135602.3); c.390-16GT[2] (NM_001317040.2); c.156-16GT[2] (NM_001079811.3); c.246-12_246-9delGTGT (NM_000404.3).
Identifiers: ClinVar variation 1975416 (VCV001975416.6), dbSNP rs758815623, ClinGen allele CA2299746.

ClinVar aggregate classification (germline): Uncertain significance. Review status: criteria provided, multiple submitters, no conflicts (2 of 4 stars). 3 submissions from 3 submitters: Uncertain significance (3). Last evaluated 2026-08-12.

Conditions:
GLB1-related disorder. Also called: GLB1-related disorders. Identifiers: MedGen CN377807.
Mucopolysaccharidosis, MPS-IV-B (MPS4B). Also called: Mucopolysaccharidosis type IV B; Mucopolysaccharidosis type 4B; Mucopolysaccharidosis Type IVB (Morquio B Disease); Mucopolysaccharidosis type IVB (Morquio); MPS IVB; MORQUIO SYNDROME B. Identifiers: Orphanet 309310, Orphanet 582, MedGen C0086652, MONDO:0009660, OMIM 253010.
GM1 gangliosidosis. Identifiers: Orphanet 354, MedGen C0085131, MONDO:0018149.

Submissions (3):

PreventionGenetics, part of Exact Sciences
Classification: Uncertain significance for GLB1-related condition. Last evaluated: 2026-08-12. Review status: criteria provided, single submitter. Criteria: ACMG Guidelines, 2015. Collection method: clinical testing. Allele origin: germline.

Labcorp Genetics (formerly Invitae), Labcorp
Classification: Uncertain significance for Mucopolysaccharidosis, MPS-IV-B; GM1 gangliosidosis. Last evaluated: 2022-08-21. Review status: criteria provided, single submitter. Criteria: Invitae Variant Classification Sherloc (09022015). Collection method: clinical testing. Allele origin: germline.
Comment: This sequence change falls in intron 2 of the GLB1 gene. It does not directly change the encoded amino acid sequence of the GLB1 protein. This variant is present in population databases (rs758815623, gnomAD 0.007%). This variant has not been reported in the literature in individuals affected with GLB1-related conditions. Algorithms developed to predict the effect of sequence changes on RNA splicing suggest that this variant may disrupt the consensus splice site. In summary, the available evidence is currently insufficient to determine the role of this variant in disease. Therefore, it has been classified as a Variant of Uncertain Significance.

Blueprint Genetics
Classification: Uncertain significance. Last evaluated: 2022-01-19. Review status: criteria provided, single submitter. Criteria: ACMG Guidelines, 2015. Collection method: clinical testing. Allele origin: germline.